The following is an entry in ClinVar:

NC_000016.9:g.(?_68679283)_(68679673_?)dup

Gene: CDH3 (cadherin 3; plus strand). Cytogenetic location: 16q22.1.
Variant type: Duplication.
Identifiers: ClinVar variation 1511742 (VCV001511742.4).

ClinVar aggregate classification (germline): Uncertain significance (1 of 4 stars; one submission).

Submission:

Labcorp Genetics (formerly Invitae), Labcorp
Classification: Uncertain significance. Last evaluated: 2022-10-04. Review status: criteria provided, single submitter. Criteria: Invitae Variant Classification Sherloc (09022015). Collection method: clinical testing. Allele origin: germline.
Comment: This variant results in a copy number gain of the genomic region encompassing exon(s) 1-2 of the CDH3 gene. This region includes the initiator codon of the gene. This copy number gain extends beyond the assayed region for this gene and therefore may encompass additional genes. As the precise location of this event is unknown, it may be in tandem or it may be located elsewhere in the genome. This variant has not been reported in the literature in individuals affected with CDH3-related conditions. In summary, the available evidence is currently insufficient to determine the role of this variant in disease. Therefore, it has been classified as a Variant of Uncertain Significance.